The following is an entry in ClinVar:

NM_001127222.2(CACNA1A):c.5033G>A (p.Arg1678His)

Gene: CACNA1A (calcium voltage-gated channel subunit alpha1 A; minus strand). Cytogenetic location: 19p13.13.
Variant type: single nucleotide variant.
Coding change: c.5033G>A on transcript NM_001127222.2 (MANE Select); coding-DNA position 5033, G replaced by A.
Protein change: p.Arg1678His; replaces arginine 1678 with histidine.
Molecular consequence: missense variant.
Genome position (GRCh38, 1-based): chr19:13,235,648, C>T on the plus strand (G>A on the coding strand, the complement: CACNA1A is on the minus strand). VCF-style: chr19-13235648-C-T. GRCh37 (hg19) VCF-style: chr19-13346462-C-T.
Other names: c.5051G>A, p.Arg1684His (NM_000068.4, NM_023035.3); c.5036G>A, p.Arg1679His (NM_001127221.2); c.5042G>A, p.Arg1681His (NM_001174080.2); short protein forms R1678H, R1681H, R1684H, R1679H.
Identifiers: ClinVar variation 838346 (VCV000838346.11), dbSNP rs2055849544, ClinGen allele CA404336679.

ClinVar aggregate classification (germline): Likely pathogenic. Review status: criteria provided, single submitter (1 of 4 stars). 2 submissions from 2 submitters: Likely pathogenic (1). 1 of the submissions does not count toward it. Last evaluated 2023-10-02.

Conditions:
Developmental and epileptic encephalopathy, 42 (DEE42A). Also called: Epileptic encephalopathy, early infantile, 42; DEVELOPMENTAL AND EPILEPTIC ENCEPHALOPATHY 42A; EPILEPTIC ENCEPHALOPATHY, EARLY INFANTILE, 42A. Identifiers: MedGen C4310716, MONDO:0014917, OMIM 617106.
Episodic ataxia type 2 (EA2). Also called: EPISODIC ATAXIA, NYSTAGMUS-ASSOCIATED; ACETAZOLAMIDE-RESPONSIVE HEREDITARY PAROXYSMAL CEREBELLAR ATAXIA; ATAXIA, EPISODIC, WITH NYSTAGMUS; ATAXIA, FAMILIAL PAROXYSMAL; CEREBELLAR ATAXIA, PAROXYSMAL, ACETAZOLAMIDE-RESPONSIVE; CEREBELLOPATHY, HEREDITARY PAROXYSMAL. Identifiers: Orphanet 97, MedGen C1720416, MONDO:0007163, OMIM 108500.
Intellectual disability. Also called: Intellectual functioning disability; intellectual disabilities; Intellectual developmental disorder. Identifiers: MedGen C3714756, MeSH D008607, MONDO:0001071, HP:0001249.

Allele frequency attached by ClinVar (database versions not stated): gnomAD exomes below 0.00001; gnomAD 0.00001.
gnomAD v4.1: 3 of 1,613,578 alleles (0.00019%); highest among the groups gnomAD compares: Admixed American, 0.0017%; no homozygotes.

Submissions (2):

Labcorp Genetics (formerly Invitae), Labcorp
Classification: Likely pathogenic for Developmental and epileptic encephalopathy, 42; Episodic ataxia type 2. Last evaluated: 2023-10-02. Review status: criteria provided, single submitter. Criteria: Invitae Variant Classification Sherloc (09022015). Collection method: clinical testing. Allele origin: germline.
Comment: This sequence change replaces arginine, which is basic and polar, with histidine, which is basic and polar, at codon 1679 of the CACNA1A protein (p.Arg1679His). This variant is not present in population databases (gnomAD no frequency). This variant has not been reported in the literature in individuals affected with CACNA1A-related conditions. ClinVar contains an entry for this variant (Variation ID: 838346). Advanced modeling of protein sequence and biophysical properties (such as structural, functional, and spatial information, amino acid conservation, physicochemical variation, residue mobility, and thermodynamic stability) performed at Invitae indicates that this missense variant is expected to disrupt CACNA1A protein function. This variant disrupts the p.Arg1679 amino acid residue in CACNA1A. Other variant(s) that disrupt this residue have been determined to be pathogenic (PMID: 20129625, 34085110; Invitae). This suggests that this residue is clinically significant, and that variants that disrupt this residue are likely to be disease-causing. In summary, the currently available evidence indicates that the variant is pathogenic, but additional data are needed to prove that conclusively. Therefore, this variant has been classified as Likely Pathogenic.

Centre de Biologie Pathologie Génétique, Centre Hospitalier Universitaire de Lille
Classification: Likely benign for Intellectual disability. Last evaluated: 2019-01-01. Review status: no assertion criteria provided. Collection method: clinical testing. Allele origin: inherited. Affected: yes. Not counted in ClinVar's aggregate classification.

Literature cited by the submitters: PubMed 20129625 (cited by Labcorp Genetics (formerly Invitae), Labcorp); PubMed 34085110 (cited by Labcorp Genetics (formerly Invitae), Labcorp).